The following is an entry in ClinVar:

ClinVar aggregate classification (germline): Pathogenic. Review status: reviewed by expert panel (3 of 4 stars). 5 submissions from 5 submitters: Pathogenic (1). 4 of the submissions do not count toward it. Last evaluated 2016-09-08.

Conditions:
Hereditary breast ovarian cancer syndrome. Also called: Hereditary breast and ovarian cancer syndrome; Hereditary breast and ovarian cancer; Hereditary breast and ovarian cancer syndrome (HBOC); Breast and ovarian cancer; Hereditary breast and/or ovarian cancer syndrome; BRCA1- and BRCA2-Associated Hereditary Breast and Ovarian Cancer. Identifiers: Orphanet 145, MedGen C0677776, MeSH D061325, MONDO:0003582. Disease mechanism: loss of function.
Hereditary cancer-predisposing syndrome. Also called: Neoplastic Syndromes, Hereditary; Tumor predisposition; Hereditary neoplastic syndrome; Hereditary Cancer Syndrome. Identifiers: Orphanet 140162, MedGen C0027672, MeSH D009386, MONDO:0015356.
Breast-ovarian cancer, familial, susceptibility to, 2 (BROVCA2). Also called: BRCA2 Hereditary Breast and Ovarian Cancer. Identifiers: Orphanet 145, MedGen C2675520, MONDO:0012933, OMIM 612555. Disease mechanism: loss of function.

Submissions (5):

Evidence-based Network for the Interpretation of Germline Mutant Alleles (ENIGMA)
Classification: Pathogenic for Breast-ovarian cancer, familial, susceptibility to, 2. Last evaluated: 2016-09-08. Review status: reviewed by expert panel. Criteria: ENIGMA BRCA1/2 Classification Criteria (2015). Collection method: curation. Allele origin: germline.
Comment: Variant allele predicted to encode a truncated non-functional protein.

Quest Diagnostics Nichols Institute San Juan Capistrano
Classification: Pathogenic. Last evaluated: 2023-02-27. Review status: criteria provided, single submitter. Criteria: Quest Diagnostics criteria. Collection method: clinical testing. Allele origin: unknown. Not counted in ClinVar's aggregate classification.
Comment: This frameshift variant alters the translational reading frame of the BRCA2 mRNA and causes the premature termination of BRCA2 protein synthesis. The variant has not been reported in the published literature. It also has not been reported in large, multi-ethnic general populations. Based on the available information, this variant is classified as pathogenic.

Color Diagnostics, LLC DBA Color Health
Classification: Pathogenic for Hereditary cancer-predisposing syndrome. Last evaluated: 2021-06-02. Review status: criteria provided, single submitter. Criteria: ACMG Guidelines, 2015. Collection method: clinical testing. Allele origin: germline. Not counted in ClinVar's aggregate classification.
Comment: This variant deletes 1 nucleotide in exon 25 of the BRCA2 gene, creating a frameshift and premature translation stop signal. This variant is expected to result in an absent or non-functional protein product. To our knowledge, functional studies have not been performed for this variant. This variant has not been reported in individuals affected with hereditary cancer in the literature. This variant has not been identified in the general population by the Genome Aggregation Database (gnomAD). Loss of BRCA2 function is a known mechanism of disease. Based on the available evidence, this variant is classified as Pathogenic.

Labcorp Genetics (formerly Invitae), Labcorp
Classification: Pathogenic for Hereditary breast ovarian cancer syndrome. Last evaluated: 2019-09-12. Review status: criteria provided, single submitter. Criteria: Invitae Variant Classification Sherloc (09022015). Collection method: clinical testing. Allele origin: germline. Not counted in ClinVar's aggregate classification.
Comment: This variant is not present in population databases (ExAC no frequency). This sequence change creates a premature translational stop signal (p.Gln3156Lysfs*7) in the BRCA2 gene. It is expected to result in an absent or disrupted protein product. This variant has not been reported in the literature in individuals with a BRCA2-related disease. ClinVar contains an entry for this variant (Variation ID: 52845). For these reasons, this variant has been classified as Pathogenic. Loss-of-function variants in BRCA2 are known to be pathogenic (PMID: 20104584).

Breast Cancer Information Core (BIC) (BRCA2)
Classification: Pathogenic for Breast-ovarian cancer, familial 2. Last evaluated: 2003-12-23. Review status: no assertion criteria provided. Collection method: clinical testing. Allele origin: germline. Affected: yes. Observed: 1 variant allele. Not counted in ClinVar's aggregate classification.

Literature cited by the submitters: PubMed 20104584 (cited by Labcorp Genetics (formerly Invitae), Labcorp).

NM_000059.4(BRCA2):c.9466del (p.Gln3156fs)

Gene: BRCA2 (BRCA2 DNA repair associated; plus strand). Cytogenetic location: 13q13.1.
Variant type: Deletion.
Coding change: c.9466del on transcript NM_000059.4 (MANE Select); coding-DNA position 9466, one base deleted (C; older notation c.9466delC).
Protein change: p.Gln3156fs; shifts the reading frame from glutamine 3156.
Molecular consequence: frameshift variant.
Genome position (GRCh38, 1-based): chr13:32,394,898, C deleted. VCF-style (leftmost placement, unchanged base first): chr13-32394897-TC-T. GRCh37 (hg19) VCF-style: chr13-32969034-TC-T.
Other names: 9694delC; c.9466delC (NM_000059.3); short protein forms Q3156fs.
Identifiers: ClinVar variation 52845 (VCV000052845.13), dbSNP rs80359766, ClinGen allele CA026171.